The following is an entry in ClinVar:

NM_004972.4(JAK2):c.886A>G (p.Ile296Val)

Genes: INSL6 (insulin like 6; minus strand), JAK2 (Janus kinase 2; plus strand). Cytogenetic location: 9p24.1.
Variant type: single nucleotide variant.
Coding change: c.886A>G on transcript NM_004972.4 (MANE Select); coding-DNA position 886, A replaced by G.
Protein change: p.Ile296Val; replaces isoleucine 296 with valine.
Molecular consequence: missense variant. On other transcripts: non-coding transcript variant (2), intron variant (2).
Genome position (GRCh38, 1-based): chr9:5,054,834, A>G. VCF-style: chr9-5054834-A-G. GRCh37 (hg19) VCF-style: chr9-5054834-A-G.
Other names: c.886A>G, p.Ile296Val (NM_001322194.2, NM_001322195.2, NM_001322196.2); c.439A>G, p.Ile147Val (NM_001322204.2); c.-280+45A>G (NM_001322198.2, NM_001322199.2); short protein forms I296V, I147V.
Identifiers: ClinVar variation 4089184 (VCV004089184.2).

ClinVar aggregate classification (germline): Uncertain significance. Review status: criteria provided, multiple submitters, no conflicts (2 of 4 stars). 2 submissions from 2 submitters: Uncertain significance (2). Last evaluated 2025-08-31.

Conditions:
Inborn genetic diseases. Identifiers: MedGen C0950123, MeSH D030342.

gnomAD v4.1: 1 of 1,612,168 alleles (0.000062%); highest among the groups gnomAD compares: Admixed American, 0.0017%; no homozygotes.

Submissions (2):

Ambry Genetics
Classification: Uncertain significance for Inborn genetic diseases. Last evaluated: 2025-08-31. Review status: criteria provided, single submitter. Criteria: Ambry Variant Classification Scheme 2023. Collection method: clinical testing. Allele origin: germline.

Labcorp Genetics (formerly Invitae), Labcorp
Classification: Uncertain significance. Last evaluated: 2025-06-04. Review status: criteria provided, single submitter. Criteria: Invitae Variant Classification Sherloc (09022015). Collection method: clinical testing. Allele origin: germline.
Comment: This sequence change replaces isoleucine, which is neutral and non-polar, with valine, which is neutral and non-polar, at codon 296 of the JAK2 protein (p.Ile296Val). This variant is not present in population databases (gnomAD no frequency). This variant has not been reported in the literature in individuals affected with JAK2-related conditions. Invitae Evidence Modeling of protein sequence and biophysical properties (such as structural, functional, and spatial information, amino acid conservation, physicochemical variation, residue mobility, and thermodynamic stability) indicates that this missense variant is not expected to disrupt JAK2 protein function with a negative predictive value of 80%. In summary, the available evidence is currently insufficient to determine the role of this variant in disease. Therefore, it has been classified as a Variant of Uncertain Significance.